The following is an entry in ClinVar:

NC_000014.8:g.(?_74946967)_(74947492_?)del

Gene: NPC2 (NPC intracellular cholesterol transporter 2; minus strand). Cytogenetic location: 14q24.3.
Variant type: Deletion.
Identifiers: ClinVar variation 2425593 (VCV002425593.4).

ClinVar aggregate classification (germline): Pathogenic (1 of 4 stars; one submission).

Conditions:
Niemann-Pick disease, type C2 (NPC2). Identifiers: Orphanet 646, MedGen C1843366, MONDO:0011873, OMIM 607625.

Submission:

Labcorp Genetics (formerly Invitae), Labcorp
Classification: Pathogenic for Niemann-Pick disease, type C2. Last evaluated: 2022-04-08. Review status: criteria provided, single submitter. Criteria: Invitae Variant Classification Sherloc (09022015). Collection method: clinical testing. Allele origin: germline.
Comment: This variant is a gross deletion of the genomic region encompassing exon(s) 4-5 of the NPC2 gene, which includes the termination codon. This deletion extends beyond the assayed region for this gene and therefore may encompass additional genes. While this deletion is not anticipated to lead to nonsense mediated decay, it is expected to alter mRNA translation or result in a truncated protein product. This variant has not been reported in the literature in individuals affected with NPC2-related conditions. This variant disrupts a region of the NPC2 protein in which other variant(s) (p.Gln146*) have been determined to be pathogenic (PMID: 16126423, 32138288). This suggests that this is a clinically significant region of the protein, and that variants that disrupt it are likely to be disease-causing. For these reasons, this variant has been classified as Pathogenic.

Literature cited by the submitters: PubMed 16126423; PubMed 32138288.